The following is an entry in ClinVar:

ClinVar aggregate classification (germline): Uncertain significance (1 of 4 stars; one submission).

Conditions:
Cerebral arteriopathy, autosomal recessive, with subcortical infarcts and leukoencephalopathy 1. Identifiers: MedGen C6065897, MONDO:0979867, OMIM 621295.
Myofibromatosis, infantile, 2. Identifiers: Orphanet 2591, MedGen C3809084, MONDO:0014122, OMIM 615293.
Lateral meningocele syndrome (LMNS). Also called: NOTCH3-Related Lateral Meningocele Syndrome. Identifiers: Orphanet 2789, MedGen C1851710, MONDO:0007537, OMIM 130720.
Cerebral arteriopathy, autosomal dominant, with subcortical infarcts and leukoencephalopathy, type 1 (CADASIL1). Also called: CADASIL 1; CASIL; Cerebral arteriopathy with subcortical infarcts and leukoencephalopathy 1; DEMENTIA, HEREDITARY MULTIINFARCT TYPE. Identifiers: Orphanet 136, MedGen C4551768, MONDO:0000914, OMIM 125310.
Familial partial lipodystrophy, Kobberling type. Also called: Familial partial lipodystrophy 1. Identifiers: Orphanet 79084, MedGen C1720859, MONDO:0012072, OMIM 608600.

Submission:

Juno Genomics, Hangzhou Juno Genomics, Inc
Classification: Uncertain significance for Familial partial lipodystrophy, Kobberling type; Cerebral arteriopathy, autosomal dominant, with subcortical infarcts and leukoencephalopathy, type 1; Cerebral arteriopathy, autosomal recessive, with subcortical infarcts and leukoencephalopathy 1; Myofibromatosis, infantile, 2; Lateral meningocele syndrome. Review status: criteria provided, single submitter. Criteria: ACMG Guidelines, 2015. Collection method: clinical testing. Allele origin: germline.
Comment: Absent from controls (or at extremely low frequency if recessive) in Genome Aggregation Database.;Multiple lines of computational evidence support a deleterious effect on the gene or gene product.

NM_000435.3(NOTCH3):c.2832C>G (p.Asn944Lys)

Gene: NOTCH3 (notch receptor 3; minus strand). Cytogenetic location: 19p13.12.
Variant type: single nucleotide variant.
Coding change: c.2832C>G on transcript NM_000435.3 (MANE Select); coding-DNA position 2832, C replaced by G.
Protein change: p.Asn944Lys; replaces asparagine 944 with lysine.
Molecular consequence: missense variant.
Genome position (GRCh38, 1-based): chr19:15,181,123, G>C on the plus strand (C>G on the coding strand, the complement: NOTCH3 is on the minus strand). VCF-style: chr19-15181123-G-C. GRCh37 (hg19) VCF-style: chr19-15291934-G-C.
Other names: short protein forms N944K.
Identifiers: ClinVar variation 5019267 (VCV005019267.2).